The following is an entry in ClinVar:

ClinVar aggregate classification (germline): Pathogenic (1 of 4 stars; one submission).

Conditions:
Ehlers-Danlos syndrome due to tenascin-X deficiency (EDSCLL1). Also called: EDS DUE TO TNX DEFICIENCY; TNX DEFICIENCY; Ehlers-Danlos syndrome, classic-like, 1; EHLERS-DANLOS SYNDROME, CLASSIC-LIKE; TNXB-Related Classical-Like Ehlers-Danlos Syndrome. Identifiers: Orphanet 230839, MedGen C1848029, MONDO:0011670, OMIM 606408.

Submission:

Myriad Genetics, Inc.
Classification: Pathogenic for Ehlers-Danlos syndrome due to tenascin-X deficiency. Last evaluated: 2026-02-11. Review status: criteria provided, single submitter. Criteria: Myriad Autosomal Dominant, Autosomal Recessive and X-Linked Classification Criteria (2023). Collection method: clinical testing. Allele origin: unknown.
Comment: NM_019105.6(TNXB):c.2114_2117dupGTGT(E707Cfs*8) is expected to be pathogenic in the context of classical-like Ehlers-Danlos syndrome, TNXB-related. This variant is predicted to lead to an abnormal or absent protein product due to the creation of a premature termination codon in TNXB, a gene where loss-of-function variants are known to be pathogenic. Please note: this variant was assessed in the context of healthy population screening.

NM_001365276.2(TNXB):c.2114_2117dup (p.Glu707fs)

Gene: TNXB (tenascin XB; minus strand). Cytogenetic location: 6p21.33.
Variant type: Microsatellite.
Coding change: c.2114_2117dup on transcript NM_001365276.2 (MANE Select); coding-DNA positions 2114 to 2117, 4 bases duplicated (GTGT; older notation c.2114_2117dupGTGT).
Protein change: p.Glu707fs; shifts the reading frame from glutamic acid 707.
Molecular consequence: frameshift variant.
Genome position (GRCh38, 1-based): chr6:32,095,736-32,095,739, ACAC duplicated on the plus strand (GTGT on the coding strand, the reverse complement: TNXB is on the minus strand); duplicating any 4 consecutive bases within chr6:32,095,736-32,095,747 gives the same sequence; the c. name uses the placement nearest the transcript's 3' end. VCF-style (leftmost placement, unchanged base first): chr6-32095735-T-TACAC. GRCh37 (hg19) VCF-style: chr6-32063512-T-TACAC.
Other names: c.2114_2117dup, p.Glu707fs (NM_001428335.1, NM_019105.8); short protein forms E707fs.
Identifiers: ClinVar variation 5015537 (VCV005015537.1).